The following is an entry in ClinVar:

NM_000138.5(FBN1):c.5225-3C>G

Gene: FBN1 (fibrillin 1; minus strand). Cytogenetic location: 15q21.1.
Variant type: single nucleotide variant.
Coding change: c.5225-3C>G on transcript NM_000138.5 (MANE Select); 3 bases into the intron before coding-DNA position 5225, C replaced by G.
Molecular consequence: intron variant.
Genome position (GRCh38, 1-based): chr15:48,460,320, G>C on the plus strand (C>G on the coding strand, the complement: FBN1 is on the minus strand). VCF-style: chr15-48460320-G-C. GRCh37 (hg19) VCF-style: chr15-48752517-G-C.
Other names: c.5225-3C>G (NM_001406716.1).
Identifiers: ClinVar variation 3600265 (VCV003600265.1).

ClinVar aggregate classification (germline): Likely pathogenic (0 of 4 stars; one submission).

Conditions:
Marfan syndrome (MFS). Also called: MARFAN SYNDROME, TYPE I; Marfan syndrome type 1; Marfan's syndrome; FBN1-Related Marfan Syndrome; Marfan syndrome, classic. Identifiers: Orphanet 284963, Orphanet 558, MedGen C0024796, MONDO:0007947, OMIM 154700.

Submission:

Department of Laboratory Medicine and Genetics, Samsung Medical Center
Classification: Likely pathogenic for Marfan syndrome. Last evaluated: 2025-01-02. Review status: no assertion criteria provided. Collection method: clinical testing. Allele origin: germline.
Comment: The NM_000138.5:c.5225-3C>G is considered to be rare in the general population database (gnomAD v2.1.1). This variant is predicted to be deleterious by in-silico analysis (SpliceAI). This variant was found in a patient with Marfan syndrome meeting revised Ghent criteria (PMID: 36421783). According to the ClinGen guidance for PP1/BS4 and PP4 criteria (PMID: 38103548), PP4 with weighted strength was applied. In summary, this variant was classified as a likely pathogenic variant for Marfan syndrome (PP3, PP4 with weighted strength, PM2_P).

Literature cited by the submitters: PubMed 36421783; PubMed 37558401.